The following is an entry in ClinVar:

NM_000321.3(RB1):c.1955A>G (p.Lys652Arg)

Gene: RB1 (RB transcriptional corepressor 1; plus strand). Cytogenetic location: 13q14.2.
Variant type: single nucleotide variant.
Coding change: c.1955A>G on transcript NM_000321.3 (MANE Select); coding-DNA position 1955, A replaced by G.
Protein change: p.Lys652Arg; replaces lysine 652 with arginine.
Molecular consequence: missense variant.
Genome position (GRCh38, 1-based): chr13:48,456,344, A>G. VCF-style: chr13-48456344-A-G. GRCh37 (hg19) VCF-style: chr13-49030480-A-G.
Other names: c.1955A>G, p.Lys652Arg (NM_001407165.1); short protein forms K652R.
Identifiers: ClinVar variation 5027941 (VCV005027941.1).
Genomic context (GRCh38, chr13:48,456,344, plus strand): 5'-CAACCTCAGCCTTCCAGACCCAGAAGCCATTGAAATCTACCTCTCTTTCACTGTTTTATA[A>G]AAAAGGTTAGTAGATGATTATTTTCAAGAGCATGGACTCTGAAACTAGGCTGACTGGGTT-3'
Protein context (NP_000312.2, residues 642-662): LKSTSLSLFY[Lys652Arg]KVYRLAYLRL

ClinVar aggregate classification (germline): Uncertain significance (1 of 4 stars; one submission).

Conditions:
Hereditary cancer-predisposing syndrome. Also called: Neoplastic Syndromes, Hereditary; Tumor predisposition; Hereditary neoplastic syndrome; Hereditary Cancer Syndrome. Identifiers: Orphanet 140162, MedGen C0027672, MeSH D009386, MONDO:0015356.

Submission:

Ambry Genetics
Classification: Uncertain significance for Hereditary cancer-predisposing syndrome. Last evaluated: 2026-07-06. Review status: criteria provided, single submitter. Criteria: Ambry Variant Classification Scheme 2023. Collection method: clinical testing. Allele origin: germline.
Comment: The p.K652R variant (also known as c.1955A>G), located in coding exon 19 of the RB1 gene, results from an A to G substitution at nucleotide position 1955. The lysine at codon 652 is replaced by arginine, an amino acid with highly similar properties. This amino acid position is conserved. In addition, the in silico prediction for this alteration is inconclusive. Based on the available evidence, the clinical significance of this variant remains unclear.